The following is an entry in ClinVar:

NM_000257.4(MYH7):c.582C>G (p.Tyr194Ter)

Gene: MYH7 (myosin heavy chain 7; minus strand). Cytogenetic location: 14q11.2.
Variant type: single nucleotide variant.
Coding change: c.582C>G on transcript NM_000257.4 (MANE Select); coding-DNA position 582, C replaced by G.
Protein change: p.Tyr194Ter; replaces tyrosine 194 with a stop codon.
Molecular consequence: nonsense.
Genome position (GRCh38, 1-based): chr14:23,431,818, G>C on the plus strand (C>G on the coding strand, the complement: MYH7 is on the minus strand). VCF-style: chr14-23431818-G-C. GRCh37 (hg19) VCF-style: chr14-23901027-G-C.
Other names: c.582C>G, p.Tyr194Ter (NM_001407004.1); short protein forms Y194*.
Identifiers: ClinVar variation 1994272 (VCV001994272.4), dbSNP rs1892956881, ClinGen allele CA389052485.
Genomic context (GRCh38, chr14:23,431,818, plus strand): 5'-TACCTTGCCCGGGCTCTGGTCCTTCTTGCTGCGGTCCCCAATGGCTGCAATAACAGCAAA[G>C]TACTGGATGACCCTCTTGGTGTTGACTGTCTTCCCTGCTCCGGATTCTCCGCTGTGAAGA-3'

ClinVar aggregate classification (germline): Uncertain significance (1 of 4 stars; one submission).

Conditions:
Hypertrophic cardiomyopathy. Also called: HYPERTROPHIC MYOCARDIOPATHY. Identifiers: Orphanet 217569, MedGen C0007194, MeSH D002312, MONDO:0005045, HP:0001639.

Submission:

Labcorp Genetics (formerly Invitae), Labcorp
Classification: Uncertain significance for Hypertrophic cardiomyopathy. Last evaluated: 2022-05-14. Review status: criteria provided, single submitter. Criteria: Invitae Variant Classification Sherloc (09022015). Collection method: clinical testing. Allele origin: germline.
Comment: This variant has not been reported in the literature in individuals affected with MYH7-related conditions. In summary, the available evidence is currently insufficient to determine the role of this variant in disease. Therefore, it has been classified as a Variant of Uncertain Significance. Algorithms developed to predict the effect of sequence changes on RNA splicing suggest that this variant may disrupt the consensus splice site. This variant is not present in population databases (gnomAD no frequency). This sequence change creates a premature translational stop signal (p.Tyr194*) in the MYH7 gene. It is expected to result in an absent or disrupted protein product. However, the current clinical and genetic evidence is not sufficient to establish whether loss-of-function variants in MYH7 cause disease.